The following is an entry in ClinVar:

NM_019594.4(LRRC8A):c.341A>G (p.Tyr114Cys)

Gene: LRRC8A (leucine rich repeat containing 8 VRAC subunit A; plus strand). Cytogenetic location: 9q34.11.
Variant type: single nucleotide variant.
Coding change: c.341A>G on transcript NM_019594.4 (MANE Select); coding-DNA position 341, A replaced by G.
Protein change: p.Tyr114Cys; replaces tyrosine 114 with cysteine.
Molecular consequence: missense variant.
Genome position (GRCh38, 1-based): chr9:128,907,505, A>G. VCF-style: chr9-128907505-A-G. GRCh37 (hg19) VCF-style: chr9-131669784-A-G.
Other names: c.341A>G, p.Tyr114Cys (NM_001127244.2, NM_001127245.2); short protein forms Y114C.
Identifiers: ClinVar variation 2767644 (VCV002767644.4), dbSNP rs1359149351, ClinGen allele CA375073570.
Genomic context (GRCh38, chr9:128,907,505, plus strand): 5'-CCACAGGCATCAAGTATGACCTGGACCGGCACCAGTACAACTACGTGGACGCTGTGTGCT[A>G]TGAGAACCGACTGCACTGGTTTGCCAAGTACTTCCCCTACCTGGTGCTTCTGCACACGCT-3'
Protein context (NP_062540.2, residues 104-124): HQYNYVDAVC[Tyr114Cys]ENRLHWFAKY

ClinVar aggregate classification (germline): Uncertain significance. Review status: criteria provided, multiple submitters, no conflicts (2 of 4 stars). 2 submissions from 2 submitters: Uncertain significance (2). Last evaluated 2024-12-12.

Conditions:
LRRC8A-related disorder. Also called: LRRC8A-related condition.

Allele frequency attached by ClinVar (database versions not stated): gnomAD exomes below 0.00001.
gnomAD v4.1: 4 of 1,614,088 alleles (0.00025%); highest among the groups gnomAD compares: Non-Finnish European, 0.00034%; no homozygotes.

Submissions (2):

PreventionGenetics, part of Exact Sciences
Classification: Uncertain significance for LRRC8A-related condition. Last evaluated: 2024-12-12. Review status: criteria provided, single submitter. Criteria: ACMG Guidelines, 2015. Collection method: clinical testing. Allele origin: germline.
Comment: The LRRC8A c.341A>G variant is predicted to result in the amino acid substitution p.Tyr114Cys. To our knowledge, this variant has not been reported in the literature. This variant is reported in 0.00088% of alleles in individuals of European (Non-Finnish) descent in gnomAD. At this time, the clinical significance of this variant is uncertain due to the absence of conclusive functional and genetic evidence.

Labcorp Genetics (formerly Invitae), Labcorp
Classification: Uncertain significance. Last evaluated: 2023-10-11. Review status: criteria provided, single submitter. Criteria: Invitae Variant Classification Sherloc (09022015). Collection method: clinical testing. Allele origin: germline.
Comment: This sequence change replaces tyrosine, which is neutral and polar, with cysteine, which is neutral and slightly polar, at codon 114 of the LRRC8A protein (p.Tyr114Cys). This variant is present in population databases (no rsID available, gnomAD 0.0009%). This variant has not been reported in the literature in individuals affected with LRRC8A-related conditions. An algorithm developed to predict the effect of missense changes on protein structure and function (PolyPhen-2) suggests that this variant is likely to be disruptive. In summary, the available evidence is currently insufficient to determine the role of this variant in disease. Therefore, it has been classified as a Variant of Uncertain Significance.